The following is an entry in ClinVar:

NM_000717.5(CA4):c.320C>T (p.Ala107Val)

Gene: CA4 (carbonic anhydrase 4; plus strand). Cytogenetic location: 17q23.1.
Variant type: single nucleotide variant.
Coding change: c.320C>T on transcript NM_000717.5 (MANE Select); coding-DNA position 320, C replaced by T.
Protein change: p.Ala107Val; replaces alanine 107 with valine.
Molecular consequence: missense variant. On other transcripts: non-coding transcript variant (1).
Genome position (GRCh38, 1-based): chr17:60,157,478, C>T. VCF-style: chr17-60157478-C-T. GRCh37 (hg19) VCF-style: chr17-58234839-C-T.
Other names: short protein forms A107V.
Identifiers: ClinVar variation 1010236 (VCV001010236.6), dbSNP rs774516904, ClinGen allele CA8685301.

ClinVar aggregate classification (germline): Uncertain significance (1 of 4 stars; one submission).

Allele frequency attached by ClinVar (database versions not stated): gnomAD 0.00005; TOPMed 0.00016.
gnomAD v4.1: 36 of 1,613,974 alleles (0.0022%); highest among the groups gnomAD compares: Admixed American, 0.017%; no homozygotes.

Submission:

Labcorp Genetics (formerly Invitae), Labcorp
Classification: Uncertain significance. Last evaluated: 2025-11-24. Review status: criteria provided, single submitter. Criteria: Invitae Variant Classification Sherloc (09022015). Collection method: clinical testing. Allele origin: germline.
Comment: This sequence change replaces alanine, which is neutral and non-polar, with valine, which is neutral and non-polar, at codon 107 of the CA4 protein (p.Ala107Val). This variant is present in population databases (rs774516904, gnomAD 0.004%). This variant has not been reported in the literature in individuals affected with CA4-related conditions. ClinVar contains an entry for this variant (Variation ID: 1010236). Invitae Evidence Modeling of protein sequence and biophysical properties (such as structural, functional, and spatial information, amino acid conservation, physicochemical variation, residue mobility, and thermodynamic stability) indicates that this missense variant is not expected to disrupt CA4 protein function with a negative predictive value of 80%. In summary, the available evidence is currently insufficient to determine the role of this variant in disease. Therefore, it has been classified as a Variant of Uncertain Significance.